The following is an entry in ClinVar:

ClinVar aggregate classification (germline): Uncertain significance (1 of 4 stars; one submission).

Conditions:
Brugada syndrome 8 (BRGDA8). Identifiers: Orphanet 130, MedGen C2751083, MONDO:0013148, OMIM 613123.

Submission:

Labcorp Genetics (formerly Invitae), Labcorp
Classification: Uncertain significance for Brugada syndrome 8. Last evaluated: 2025-05-05. Review status: criteria provided, single submitter. Criteria: Invitae Variant Classification Sherloc (09022015). Collection method: clinical testing. Allele origin: germline.
Comment: This sequence change replaces serine, which is neutral and polar, with arginine, which is basic and polar, at codon 498 of the HCN4 protein (p.Ser498Arg). This variant is not present in population databases (gnomAD no frequency). This variant has not been reported in the literature in individuals affected with HCN4-related conditions. ClinVar contains an entry for this variant (Variation ID: 1508215). Invitae Evidence Modeling of protein sequence and biophysical properties (such as structural, functional, and spatial information, amino acid conservation, physicochemical variation, residue mobility, and thermodynamic stability) indicates that this missense variant is expected to disrupt HCN4 protein function with a positive predictive value of 95%. In summary, the available evidence is currently insufficient to determine the role of this variant in disease. Therefore, it has been classified as a Variant of Uncertain Significance.

NM_005477.3(HCN4):c.1494C>A (p.Ser498Arg)

Gene: HCN4 (hyperpolarization activated cyclic nucleotide gated potassium channel 4; minus strand). Cytogenetic location: 15q24.1.
Variant type: single nucleotide variant.
Coding change: c.1494C>A on transcript NM_005477.3 (MANE Select); coding-DNA position 1494, C replaced by A.
Protein change: p.Ser498Arg; replaces serine 498 with arginine.
Molecular consequence: missense variant.
Genome position (GRCh38, 1-based): chr15:73,329,669, G>T on the plus strand (C>A on the coding strand, the complement: HCN4 is on the minus strand). VCF-style: chr15-73329669-G-T. GRCh37 (hg19) VCF-style: chr15-73622010-G-T.
Other names: short protein forms S498R.
Identifiers: ClinVar variation 1508215 (VCV001508215.8), dbSNP rs1567774949, ClinGen allele CA393093750.
Genomic context (GRCh38, chr15:73,329,669, plus strand): 5'-CTGGATGAGGGCAGTGGCGTGGCCAATGAACATGGCGTAGCAGGTGGCACCCACGATCAT[G>T]CTGAGCATGGTGAGCCAGACGTCGGACATGCCCACGGGCGCCTGCCGCCCGTAGCCGATG-3'
Protein context (NP_005468.1, residues 488-508): GMSDVWLTML[Ser498Arg]MIVGATCYAM